The following is an entry in ClinVar:

NM_001042492.3(NF1):c.1553_1572delinsGGCC (p.Thr518fs)

Gene: NF1 (neurofibromin 1; plus strand). Cytogenetic location: 17q11.2.
Variant type: Indel.
Coding change: c.1553_1572delinsGGCC on transcript NM_001042492.3 (MANE Select); coding-DNA positions 1553 to 1572, CCCAAGGCAGTACAGCAGAA replaced by GGCC.
Protein change: p.Thr518fs; shifts the reading frame from threonine 518.
Molecular consequence: frameshift variant.
Genome position (GRCh38, 1-based): chr17:31,219,030-31,219,049, CCCAAGGCAGTACAGCAGAA replaced by GGCC. VCF-style: chr17-31219030-CCCAAGGCAGTACAGCAGAA-GGCC. GRCh37 (hg19) VCF-style: chr17-29546048-CCCAAGGCAGTACAGCAGAA-GGCC.
Other names: c.1553_1572delinsGGCC, p.Thr518fs (NM_000267.4, NM_001128147.3); short protein forms T518fs.
Identifiers: ClinVar variation 5042230 (VCV005042230.1).

ClinVar aggregate classification (germline): Pathogenic (1 of 4 stars; one submission).

Conditions:
Neurofibromatosis, type 1 (NF1). Also called: VON RECKLINGHAUSEN DISEASE; NEUROFIBROMATOSIS, TYPE I, SOMATIC; Peripheral type neurofibromatosis; Neurofibromatosis, type I. Identifiers: Orphanet 636, MedGen C0027831, MONDO:0018975, OMIM 162200. Disease mechanism: loss of function.

Submission:

Myriad Genetics, Inc.
Classification: Pathogenic for Neurofibromatosis, type 1. Last evaluated: 2026-07-28. Review status: criteria provided, single submitter. Criteria: Myriad Autosomal Dominant, Autosomal Recessive and X-Linked Classification Criteria (2023). Collection method: clinical testing. Allele origin: unknown.
Comment: This variant is considered pathogenic. This variant creates a frameshift predicted to result in premature protein truncation.